The following is an entry in ClinVar:

NM_000384.3(APOB):c.9734C>T (p.Thr3245Ile)

Gene: APOB (apolipoprotein B; minus strand). Cytogenetic location: 2p24.1.
Variant type: single nucleotide variant.
Coding change: c.9734C>T on transcript NM_000384.3 (MANE Select); coding-DNA position 9734, C replaced by T.
Protein change: p.Thr3245Ile; replaces threonine 3245 with isoleucine.
Molecular consequence: missense variant.
Genome position (GRCh38, 1-based): chr2:21,007,134, G>A on the plus strand (C>T on the coding strand, the complement: APOB is on the minus strand). VCF-style: chr2-21007134-G-A. GRCh37 (hg19) VCF-style: chr2-21230006-G-A.
Other names: short protein forms T3245I.
Identifiers: ClinVar variation 1713464 (VCV001713464.6), dbSNP rs1171883774, ClinGen allele CA345989052.

ClinVar aggregate classification (germline): Uncertain significance (1 of 4 stars; one submission).

Conditions:
Familial hypobetalipoproteinemia 1. Also called: APOB-Related Familial Hypobetalipoproteinemia; Hypobetalipoproteinemia, normotriglyceridemic; Acanthocytosis with hypobetalipoproteinemia. Identifiers: MedGen C4551990, MONDO:0014252, OMIM 615558.
Hypercholesterolemia, autosomal dominant, type B (FHCL2). Also called: Hyperlipoproteinemia Type IIb; Familial hypercholesterolemia 2; Familial Hypercholesterolemia Type B; APOLIPOPROTEIN B-100, FAMILIAL DEFECTIVE; APOLIPOPROTEIN B-100, FAMILIAL LIGAND-DEFECTIVE; HYPERCHOLESTEROLEMIA, FAMILIAL, DUE TO LIGAND-DEFECTIVE APOLIPOPROTEIN B. Identifiers: MedGen C1704417, MONDO:0007751, OMIM 144010.

Allele frequency attached by ClinVar (database versions not stated): gnomAD 0.00001.
gnomAD v4.1: 1 of 1,613,868 alleles (0.000062%); highest among the groups gnomAD compares: Non-Finnish European, 0.000085%; no homozygotes.

Submission:

Labcorp Genetics (formerly Invitae), Labcorp
Classification: Uncertain significance for Familial hypobetalipoproteinemia 1; Hypercholesterolemia, autosomal dominant, type B. Last evaluated: 2022-08-02. Review status: criteria provided, single submitter. Criteria: Invitae Variant Classification Sherloc (09022015). Collection method: clinical testing. Allele origin: germline.
Comment: In summary, the available evidence is currently insufficient to determine the role of this variant in disease. Therefore, it has been classified as a Variant of Uncertain Significance. Algorithms developed to predict the effect of missense changes on protein structure and function output the following: SIFT: "Tolerated"; PolyPhen-2: "Probably Damaging"; Align-GVGD: "Class C0". The isoleucine amino acid residue is found in multiple mammalian species, which suggests that this missense change does not adversely affect protein function. This variant has not been reported in the literature in individuals affected with APOB-related conditions. This variant is not present in population databases (gnomAD no frequency). This sequence change replaces threonine, which is neutral and polar, with isoleucine, which is neutral and non-polar, at codon 3245 of the APOB protein (p.Thr3245Ile).